The following is an entry in ClinVar:

ClinVar aggregate classification (germline): Uncertain significance (1 of 4 stars; one submission).

Allele frequency attached by ClinVar (database versions not stated): gnomAD 0.00001; TOPMed 0.00001.

Submission:

Labcorp Genetics (formerly Invitae), Labcorp
Classification: Uncertain significance. Last evaluated: 2025-08-24. Review status: criteria provided, single submitter. Criteria: Invitae Variant Classification Sherloc (09022015). Collection method: clinical testing. Allele origin: germline.
Comment: This sequence change replaces leucine, which is neutral and non-polar, with phenylalanine, which is neutral and non-polar, at codon 1409 of the COL11A1 protein (p.Leu1409Phe). This variant is present in population databases (no rsID available, gnomAD 0.007%). This variant has not been reported in the literature in individuals affected with COL11A1-related conditions. ClinVar contains an entry for this variant (Variation ID: 1448595). Invitae Evidence Modeling of protein sequence and biophysical properties (such as structural, functional, and spatial information, amino acid conservation, physicochemical variation, residue mobility, and thermodynamic stability) has been performed for this missense variant. However, the output from this modeling did not meet the statistical confidence thresholds required to predict the impact of this variant on COL11A1 protein function. In summary, the available evidence is currently insufficient to determine the role of this variant in disease. Therefore, it has been classified as a Variant of Uncertain Significance.

NM_001854.4(COL11A1):c.4225C>T (p.Leu1409Phe)

Gene: COL11A1 (collagen type XI alpha 1 chain; minus strand). Cytogenetic location: 1p21.1.
Variant type: single nucleotide variant.
Coding change: c.4225C>T on transcript NM_001854.4 (MANE Select); coding-DNA position 4225, C replaced by T.
Protein change: p.Leu1409Phe; replaces leucine 1409 with phenylalanine.
Molecular consequence: missense variant. On other transcripts: non-coding transcript variant (1).
Genome position (GRCh38, 1-based): chr1:102,898,689, G>A on the plus strand (C>T on the coding strand, the complement: COL11A1 is on the minus strand). VCF-style: chr1-102898689-G-A. GRCh37 (hg19) VCF-style: chr1-103364245-G-A.
Other names: c.4108C>T, p.Leu1370Phe (NM_001190709.2); c.4261C>T, p.Leu1421Phe (NM_080629.3); c.3877C>T, p.Leu1293Phe (NM_080630.4); short protein forms L1293F, L1409F, L1370F, L1421F.
Identifiers: ClinVar variation 1448595 (VCV001448595.8), dbSNP rs1435827751, ClinGen allele CA341155286.